The following is an entry in ClinVar:

ClinVar aggregate classification (germline): Uncertain significance (1 of 4 stars; one submission).

Conditions:
Leigh syndrome (NULS). Also called: Leigh's necrotizing encephalopathy; Leigh's disease; Leigh Syndrome (mtDNA deletion); Leigh Disease; Subacute necrotizing encephalopathy; Necrotizing encephalopathy infantile subacute of Leigh. Identifiers: Orphanet 506, MedGen C2931891, MONDO:0009723, OMIM 256000.

Submission:

Wong Mito Lab, Molecular and Human Genetics, Baylor College of Medicine
Classification: Uncertain significance for Leigh syndrome. Last evaluated: 2019-10-17. Review status: criteria provided, single submitter. Criteria: Modified ACMG Guidelines (Unpublished). Collection method: clinical testing. Allele origin: germline.
Comment: The NC_012920.1:m.11069A>G (YP_003024035.1:p.Ile104Val) variant in MTND4 gene is interpretated to be a Uncertain Significance variant based on the modified ACMG guidelines (unpublished). This variant meets the following evidence codes: BP4

NC_012920.1(MT-ND4):m.11069A>G

Gene: MT-ND4 (mitochondrially encoded NADH dehydrogenase 4; plus strand).
Variant type: single nucleotide variant.
Genome position: chrM-11069-A-G.
Identifiers: ClinVar variation 693339 (VCV000693339.1), dbSNP rs1603223091, ClinGen allele CA414809392.